The following is an entry in ClinVar:

NM_001482.3(GATM):c.941G>C (p.Gly314Ala)

Gene: GATM (glycine amidinotransferase; minus strand). Cytogenetic location: 15q21.1.
Variant type: single nucleotide variant.
Coding change: c.941G>C on transcript NM_001482.3 (MANE Select); coding-DNA position 941, G replaced by C.
Protein change: p.Gly314Ala; replaces glycine 314 with alanine.
Molecular consequence: missense variant.
Genome position (GRCh38, 1-based): chr15:45,366,083, C>G on the plus strand (G>C on the coding strand, the complement: GATM is on the minus strand). VCF-style: chr15-45366083-C-G. GRCh37 (hg19) VCF-style: chr15-45658281-C-G.
Other names: c.554G>C, p.Gly185Ala (NM_001321015.2); short protein forms G314A, G185A.
Identifiers: ClinVar variation 942869 (VCV000942869.9), dbSNP rs1889443912, ClinGen allele CA392257569.

ClinVar aggregate classification (germline): Uncertain significance (1 of 4 stars; one submission).

Conditions:
Arginine:glycine amidinotransferase deficiency (CCDS3). Also called: AGAT deficiency; Creatine deficiency syndrome due to AGAT deficiency; GATM deficiency; L-Arginine:Glycine Amidinotransferase (AGAT) Deficiency; Cerebral creatine deficiency syndrome 3; L-Arginine:Glycine Amidinotransferase Deficiency. Identifiers: Orphanet 35704, MedGen C2675179, MONDO:0012996, OMIM 612718.

gnomAD v4.1: 3 of 1,614,102 alleles (0.00019%); highest among the groups gnomAD compares: Non-Finnish European, 0.00025%; no homozygotes.

Submission:

Labcorp Genetics (formerly Invitae), Labcorp
Classification: Uncertain significance for Arginine:glycine amidinotransferase deficiency. Last evaluated: 2019-09-28. Review status: criteria provided, single submitter. Criteria: Invitae Variant Classification Sherloc (09022015). Collection method: clinical testing. Allele origin: germline.
Comment: In summary, the available evidence is currently insufficient to determine the role of this variant in disease. Therefore, it has been classified as a Variant of Uncertain Significance. Algorithms developed to predict the effect of missense changes on protein structure and function are either unavailable or do not agree on the potential impact of this missense change (SIFT: "Deleterious"; PolyPhen-2: "Probably Damaging"; Align-GVGD: "Class C0"). This variant has not been reported in the literature in individuals with GATM-related conditions. This variant is not present in population databases (ExAC no frequency). This sequence change replaces glycine with alanine at codon 314 of the GATM protein (p.Gly314Ala). The glycine residue is highly conserved and there is a small physicochemical difference between glycine and alanine.